The following is an entry in ClinVar:

NM_015512.5(DNAH1):c.4978C>T (p.Arg1660Trp)

Gene: DNAH1 (dynein axonemal heavy chain 1; plus strand). Cytogenetic location: 3p21.1.
Variant type: single nucleotide variant.
Coding change: c.4978C>T on transcript NM_015512.5 (MANE Select); coding-DNA position 4978, C replaced by T.
Protein change: p.Arg1660Trp; replaces arginine 1660 with tryptophan.
Molecular consequence: missense variant.
Genome position (GRCh38, 1-based): chr3:52,361,764, C>T. VCF-style: chr3-52361764-C-T. GRCh37 (hg19) VCF-style: chr3-52395780-C-T.
Other names: short protein forms R1660W.
Identifiers: ClinVar variation 2158604 (VCV002158604.4), dbSNP rs531427661, ClinGen allele CA2434045.

ClinVar aggregate classification (germline): Uncertain significance (1 of 4 stars; one submission).

Conditions:
Spermatogenic failure 18. Identifiers: MedGen C4539783, MONDO:0054615, OMIM 617576.
Ciliary dyskinesia, primary, 37 (CILD37). Also called: CILIARY DYSKINESIA, PRIMARY, 37, WITH OR WITHOUT SITUS INVERSUS. Identifiers: MedGen C4539798, MONDO:0033204, OMIM 617577.

Allele frequency attached by ClinVar (database versions not stated): gnomAD 0.00003; TOPMed 0.00003; ExAC 0.00008; 1000 Genomes Project 30x 0.00016; 1000 Genomes Project 0.00020.
gnomAD v4.1: 33 of 1,598,890 alleles (0.0021%); highest among the groups gnomAD compares: African/African-American, 0.008%; no homozygotes.

Submission:

Labcorp Genetics (formerly Invitae), Labcorp
Classification: Uncertain significance for Ciliary dyskinesia, primary, 37; Spermatogenic failure 18. Last evaluated: 2024-04-23. Review status: criteria provided, single submitter. Criteria: Invitae Variant Classification Sherloc (09022015). Collection method: clinical testing. Allele origin: germline.
Comment: This sequence change replaces arginine, which is basic and polar, with tryptophan, which is neutral and slightly polar, at codon 1660 of the DNAH1 protein (p.Arg1660Trp). This variant is present in population databases (rs531427661, gnomAD 0.02%). This variant has not been reported in the literature in individuals affected with DNAH1-related conditions. ClinVar contains an entry for this variant (Variation ID: 2158604). An algorithm developed to predict the effect of missense changes on protein structure and function (PolyPhen-2) suggests that this variant is likely to be tolerated. In summary, the available evidence is currently insufficient to determine the role of this variant in disease. Therefore, it has been classified as a Variant of Uncertain Significance.